The following is an entry in ClinVar:

NM_025243.4(SLC19A3):c.701del (p.Thr234fs)

Gene: SLC19A3 (solute carrier family 19 member 3; minus strand). Cytogenetic location: 2q36.3.
Variant type: Deletion.
Coding change: c.701del on transcript NM_025243.4 (MANE Select); coding-DNA position 701, one base deleted (C; older notation c.701delC).
Protein change: p.Thr234fs; shifts the reading frame from threonine 234.
Molecular consequence: frameshift variant.
Genome position (GRCh38, 1-based): chr2:227,699,014, G deleted on the plus strand (C on the coding strand, the reverse complement: SLC19A3 is on the minus strand). VCF-style (leftmost placement, unchanged base first): chr2-227699013-TG-T. GRCh37 (hg19) VCF-style: chr2-228563729-TG-T.
Other names: c.701del, p.Thr234fs (NM_001371411.1, NM_001371412.1); c.689del, p.Thr230fs (NM_001371413.1, NM_001371414.1); short protein forms T234fs, T230fs.
Identifiers: ClinVar variation 2859471 (VCV002859471.3), dbSNP rs2470573249, ClinGen allele CA2577266594.
Genomic context (GRCh38, chr2:227,699,013, plus strand): 5'-TGGTTTCAGGCTGTTCAGCTGGCCCTTATTCAGCTTCCCTGAAGTGCTGAGTATTTCTGA[TG>T]TGGGTTTCTGCTCTTCACAGCCTGGTGCTTCACCTTCGTGAGTTTCCTCTAATACTGGAT-3'

ClinVar aggregate classification (germline): Pathogenic (1 of 4 stars; one submission).

Conditions:
Biotin-responsive basal ganglia disease (BTBGD). Also called: THIAMINE METABOLISM DYSFUNCTION SYNDROME 2 (BIOTIN- AND THIAMINE-RESPONSIVE TYPE); Thiamine metabolism dysfunction syndrome 2 (biotin- or thiamine-responsive encephalopathy type 2); thiamine-responsive encephalopathy; Thiamine metabolism dysfunction syndrome type 2; Thiamine Transporter-2 Deficiency. Identifiers: Orphanet 199348, Orphanet 65284, MedGen C1843807, MONDO:0011841, OMIM 607483.

Allele frequency attached by ClinVar (database versions not stated): gnomAD exomes below 0.00001.

Submission:

Labcorp Genetics (formerly Invitae), Labcorp
Classification: Pathogenic for Biotin-responsive basal ganglia disease. Last evaluated: 2023-04-26. Review status: criteria provided, single submitter. Criteria: Invitae Variant Classification Sherloc (09022015). Collection method: clinical testing. Allele origin: germline.
Comment: This sequence change creates a premature translational stop signal (p.Thr234Asnfs*11) in the SLC19A3 gene. It is expected to result in an absent or disrupted protein product. Loss-of-function variants in SLC19A3 are known to be pathogenic (PMID: 23423671, 23482991). This variant is not present in population databases (gnomAD no frequency). This variant has not been reported in the literature in individuals affected with SLC19A3-related conditions. For these reasons, this variant has been classified as Pathogenic.

Literature cited by the submitters: PubMed 23423671; PubMed 23482991.